The following is an entry in ClinVar:

NM_054027.6(ANKH):c.1266-6C>T

Genes: ANKH (ANKH inorganic pyrophosphate transport regulator; minus strand), OTULIN (OTU deubiquitinase with linear linkage specificity; plus strand), LOC100130744 (uncharacterized LOC100130744; plus strand). Cytogenetic location: 5p15.2.
Variant type: single nucleotide variant.
Coding change: c.1266-6C>T on transcript NM_054027.6 (MANE Select); 6 bases into the intron before coding-DNA position 1266, C replaced by T.
Molecular consequence: intron variant. On other transcripts: non-coding transcript variant (1).
Genome position (GRCh38, 1-based): chr5:14,712,979, G>A on the plus strand (C>T on the coding strand, the complement: ANKH is on the minus strand). VCF-style: chr5-14712979-G-A. GRCh37 (hg19) VCF-style: chr5-14713088-G-A.
Identifiers: ClinVar variation 743006 (VCV000743006.13), dbSNP rs538952732, ClinGen allele CA3208861.

ClinVar aggregate classification (germline): Benign/Likely benign. Review status: criteria provided, multiple submitters, no conflicts (2 of 4 stars). 4 submissions from 4 submitters: Benign (2); Likely benign (1). 1 of the submissions does not count toward it. Last evaluated 2025-09-16.

Conditions:
ANKH-related disorder. Also called: ANKH-related condition; ANKH-Related Disorders.
Craniometaphyseal dysplasia, autosomal dominant (CMDD). Identifiers: Orphanet 1522, MedGen C1852502, MONDO:0007397, OMIM 123000.

Allele frequency attached by ClinVar (database versions not stated): TOPMed 0.00005; 1000 Genomes Project 30x 0.00078; 1000 Genomes Project 0.00080.
gnomAD v4.1: 402 of 1,611,072 alleles (0.025%); highest among the groups gnomAD compares: South Asian, 0.43%; 3 homozygotes.

Submissions (4):

Labcorp Genetics (formerly Invitae), Labcorp
Classification: Benign. Last evaluated: 2025-09-16. Review status: criteria provided, single submitter. Criteria: Invitae Variant Classification Sherloc (09022015). Collection method: clinical testing. Allele origin: germline.

Genome-Nilou Lab
Classification: Benign for Craniometaphyseal dysplasia, autosomal dominant. Last evaluated: 2021-12-05. Review status: criteria provided, single submitter. Criteria: ACMG Guidelines, 2015. Collection method: clinical testing. Allele origin: germline. Affected: no.

GeneDx
Classification: Likely benign. Last evaluated: 2021-02-23. Review status: criteria provided, single submitter. Criteria: GeneDx Variant Classification Process June 2021. Collection method: clinical testing. Allele origin: germline. Affected: yes.

PreventionGenetics, part of Exact Sciences
Classification: Likely benign for ANKH-related condition. Last evaluated: 2019-04-22. Review status: no assertion criteria provided. Collection method: clinical testing. Allele origin: germline. Not counted in ClinVar's aggregate classification.
Comment: This variant is classified as likely benign based on ACMG/AMP sequence variant interpretation guidelines (Richards et al. 2015 PMID: 25741868, with internal and published modifications).